The following is an entry in ClinVar:

ClinVar aggregate classification (germline): Likely benign. Review status: criteria provided, multiple submitters, no conflicts (2 of 4 stars). 3 submissions from 3 submitters: Likely benign (3). Last evaluated 2026-08-01.

gnomAD v4.1: 22 of 1,614,028 alleles (0.0014%); highest among the groups gnomAD compares: Admixed American, 0.0017%; no homozygotes.

Submissions (3):

CeGaT Center for Human Genetics Tuebingen
Classification: Likely benign. Last evaluated: 2026-08-01. Review status: criteria provided, single submitter. Criteria: CeGaT Center For Human Genetics Tuebingen Variant Classification Criteria Version 2. Collection method: clinical testing. Allele origin: germline. Affected: yes. Observed: 1 variant allele.
Comment: FN1: BP4, BP7

Labcorp Genetics (formerly Invitae), Labcorp
Classification: Likely benign. Last evaluated: 2025-09-11. Review status: criteria provided, single submitter. Criteria: Invitae Variant Classification Sherloc (09022015). Collection method: clinical testing. Allele origin: germline.

Blueprint Genetics
Classification: Likely benign. Last evaluated: 2024-02-03. Review status: criteria provided, single submitter. Criteria: ACMG Guidelines, 2015. Collection method: clinical testing. Allele origin: germline.

NM_212482.4(FN1):c.600G>A (p.Thr200=)

Gene: FN1 (fibronectin 1; minus strand). Cytogenetic location: 2q35.
Variant type: single nucleotide variant.
Coding change: c.600G>A on transcript NM_212482.4 (MANE Select); coding-DNA position 600, G replaced by A.
Protein change: p.Thr200=; no amino-acid change (threonine 200 retained).
Molecular consequence: synonymous variant.
Genome position (GRCh38, 1-based): chr2:215,430,800, C>T on the plus strand (G>A on the coding strand, the complement: FN1 is on the minus strand). VCF-style: chr2-215430800-C-T. GRCh37 (hg19) VCF-style: chr2-216295523-C-T.
Other names: c.600G>A, p.Thr200= (NM_001306129.2, NM_001306130.2, NM_001306131.2 and 14 more transcripts).
Identifiers: ClinVar variation 1984952 (VCV001984952.6), dbSNP rs772202402, ClinGen allele CA2095501.